The following is an entry in ClinVar:

ClinVar aggregate classification (germline): Uncertain significance (1 of 4 stars; one submission).

Conditions:
NRP2-related disorder. Also called: NRP2-related condition.

Submission:

PreventionGenetics, part of Exact Sciences
Classification: Uncertain significance for NRP2-related condition. Last evaluated: 2025-08-20. Review status: criteria provided, single submitter. Criteria: ACMG Guidelines, 2015. Collection method: clinical testing. Allele origin: germline.
Comment: The NRP2 c.2405-7_2414del17 variant is predicted to result in a deletion affecting a canonical splice site. To our knowledge, this variant has not been reported in the literature or in a large population database (gnomAD), indicating this variant is rare. This variant is expected to abolish the canonical splice acceptor site; however, the consequence of skipping this exon could potentially result in an in-frame transcript. At this time, the clinical significance of this variant is uncertain due to the absence of conclusive functional and genetic evidence.

NM_003872.3(NRP2):c.2405-7_2414del

Gene: NRP2 (neuropilin 2; plus strand). Cytogenetic location: 2q33.3.
Variant type: Deletion.
Coding change: c.2405-7_2414del on transcript NM_003872.3 (MANE Select); 7 bases into the intron before coding-DNA position 2405 through coding-DNA position 2414, 17 bases deleted (TTTTCAGAACCCATCTC).
Molecular consequence: splice acceptor variant.
Genome position (GRCh38, 1-based): chr2:205,766,776-205,766,792, TTTTCAGAACCCATCTC deleted. VCF-style (leftmost placement, unchanged base first): chr2-205766775-TTTTTCAGAACCCATCTC-T. GRCh37 (hg19) VCF-style: chr2-206631499-TTTTTCAGAACCCATCTC-T.
Other names: c.2405-7_2414del (NM_201266.2, NM_201279.2, NM_018534.4 and 1 more transcripts).
Identifiers: ClinVar variation 4978345 (VCV004978345.1).
Genomic context (GRCh38, chr2:205,766,775, plus strand): 5'-TTCACTCTATGTTCACCCAATTGTTTCTTGCCTTTAACTAAGTCCAATTTTTTGTTTGTT[TTTTTCAGAACCCATCTC>T]GGCTTTTGCAGGTGAGAATTTTAAAGGTAAAAAAAAATTTTTTTTTTGCATGCTTTTTCC-3'